The following is an entry in ClinVar:

NM_001211.6(BUB1B):c.2441G>A (p.Arg814His)

Gene: BUB1B (BUB1 mitotic checkpoint serine/threonine kinase B; plus strand). Cytogenetic location: 15q15.1.
Variant type: single nucleotide variant.
Coding change: c.2441G>A on transcript NM_001211.6 (MANE Select); coding-DNA position 2441, G replaced by A.
Protein change: p.Arg814His; replaces arginine 814 with histidine.
Molecular consequence: missense variant.
Genome position (GRCh38, 1-based): chr15:40,212,554, G>A. VCF-style: chr15-40212554-G-A. GRCh37 (hg19) VCF-style: chr15-40504755-G-A.
Other names: short protein forms R814H.
Identifiers: ClinVar variation 6764 (VCV000006764.15), dbSNP rs28989182, ClinGen allele CA118494.

ClinVar aggregate classification (germline): Conflicting classifications of pathogenicity. Review status: criteria provided, conflicting classifications (1 of 4 stars). 6 submissions from 5 submitters: Pathogenic (1); Likely pathogenic (2); Likely benign (1). 2 of the submissions do not count toward it. Last evaluated 2025-06-04.

Conditions:
Mosaic variegated aneuploidy syndrome 1 (MVA1). Also called: Warburton-Anyane-Yeboa syndrome. Identifiers: Orphanet 1052, MedGen C1850343, MONDO:0009759, OMIM 257300.
Premature chromatid separation trait (PCS). Also called: TOTAL PREMATURE CHROMATID SEPARATION TRAIT. Identifiers: MedGen C1864389, MONDO:0008304, OMIM 176430.

Allele frequency attached by ClinVar (database versions not stated): gnomAD 0.00001; gnomAD exomes 0.00001 and 0.00002; TOPMed 0.00001.
gnomAD v4.1: 29 of 1,612,728 alleles (0.0018%); highest among the groups gnomAD compares: East Asian, 0.0022%; no homozygotes.

Submissions (6):

First Genomix Gene Laboratory, Genetic Diagnostics Department
Classification: Likely pathogenic for Mosaic variegated aneuploidy syndrome 1. Last evaluated: 2025-06-04. Review status: criteria provided, single submitter. Criteria: ACMG Guidelines, 2015. Collection method: clinical testing. Allele origin: germline. Inheritance: Autosomal recessive inheritance. Affected: no. Observed: 1 variant allele.

KCCC/NGS Laboratory, Kuwait Cancer Control Center
Classification: Likely benign for Premature chromatid separation trait. Last evaluated: 2024-05-14. Review status: criteria provided, single submitter. Criteria: ACMG Guidelines, 2015. Collection method: clinical testing. Allele origin: germline. Inheritance: Autosomal dominant inheritance. Affected: no. Observed: 1 heterozygote.

Labcorp Genetics (formerly Invitae), Labcorp
Classification: Pathogenic for Mosaic variegated aneuploidy syndrome 1. Last evaluated: 2024-03-09. Review status: criteria provided, single submitter. Criteria: Invitae Variant Classification Sherloc (09022015). Collection method: clinical testing. Allele origin: germline.
Comment: This sequence change replaces arginine, which is basic and polar, with histidine, which is basic and polar, at codon 814 of the BUB1B protein (p.Arg814His). This variant is present in population databases (rs28989182, gnomAD 0.01%). This missense change has been observed in individual(s) with mosaic variegated aneuploidy (PMID: 15475955, 20516114, 30512160). In at least one individual the data is consistent with being in trans (on the opposite chromosome) from a pathogenic variant. ClinVar contains an entry for this variant (Variation ID: 6764). An algorithm developed to predict the effect of missense changes on protein structure and function (PolyPhen-2) suggests that this variant is likely to be disruptive. Experimental studies have shown that this missense change affects BUB1B function (PMID: 20516114). For these reasons, this variant has been classified as Pathogenic.

3billion
Classification: Likely pathogenic for Mosaic variegated aneuploidy syndrome 1. Last evaluated: 2021-10-02. Review status: criteria provided, single submitter. Criteria: ACMG Guidelines, 2015. Collection method: clinical testing. Allele origin: maternal. Affected: yes. Observed: 1 heterozygote.
Comment: Same nucleotide change resulting in same amino acid change has been previously reported as pathogenic supporitng evidence (ClinVar ID: VCV000006764.1, PMID: 20516114, PS1_P). It is observed at an extremely low frequency in the gnomAD v2.1.1 dataset (total allele frequency: 0.00001061, PM2). The variant was observed in trans with a pathogenic variant (NM_001211.5: c.1045del) as compound heterozygous (3billion dataset, PM3). Patient's phenotype is considered compatible with Mosaic Variegated Aneuploidy Syndrome 1 (3billion dataset, PP4). Therefore, this variant is classified as likely pathogenic according to the recommendation of ACMG/AMP guideline.

OMIM
Classification: Pathogenic for MOSAIC VARIEGATED ANEUPLOIDY SYNDROME 1. Last evaluated: 2004-11-01. Review status: no assertion criteria provided. Collection method: literature only. Allele origin: germline. Not counted in ClinVar's aggregate classification.

OMIM
Classification: Affects for PREMATURE CHROMATID SEPARATION TRAIT. Last evaluated: 2004-11-01. Review status: no assertion criteria provided. Collection method: literature only. Allele origin: germline. Not counted in ClinVar's aggregate classification.

Literature cited by the submitters: PubMed 15475955 (cited by Labcorp Genetics (formerly Invitae), Labcorp and OMIM); PubMed 20516114 (cited by Labcorp Genetics (formerly Invitae), Labcorp and 3billion); PubMed 30512160 (cited by Labcorp Genetics (formerly Invitae), Labcorp).